The following is an entry in ClinVar:

ClinVar aggregate classification (germline): Likely pathogenic. Review status: criteria provided, single submitter (1 of 4 stars). 2 submissions from 2 submitters: Likely pathogenic (1). 1 of the submissions does not count toward it. Last evaluated 2022-11-22.

Conditions:
Dilated cardiomyopathy 1G (CMD1G). Identifiers: Orphanet 154, MedGen C1858763, MONDO:0011400, OMIM 604145.
Autosomal recessive limb-girdle muscular dystrophy type 2J (LGMDR10). Also called: Limb-girdle muscular dystrophy, type 2J; MUSCULAR DYSTROPHY, LIMB-GIRDLE, AUTOSOMAL RECESSIVE 10. Identifiers: Orphanet 140922, MedGen C1837342, MONDO:0012127, OMIM 608807.

gnomAD v4.1: 1 of 1,613,044 alleles (0.000062%); highest among the groups gnomAD compares: Non-Finnish European, 0.000085%; no homozygotes.

Submissions (2):

Labcorp Genetics (formerly Invitae), Labcorp
Classification: Likely pathogenic for Dilated cardiomyopathy 1G; Autosomal recessive limb-girdle muscular dystrophy type 2J. Last evaluated: 2022-11-22. Review status: criteria provided, single submitter. Criteria: Invitae Variant Classification Sherloc (09022015). Collection method: clinical testing. Allele origin: germline.
Comment: ClinVar contains an entry for this variant (Variation ID: 1066035). This variant has not been reported in the literature in individuals affected with TTN-related conditions. This variant is not present in population databases (gnomAD no frequency). This sequence change creates a premature translational stop signal (p.Gln25755*) in the TTN gene. While this is not anticipated to result in nonsense mediated decay, it is expected to create a truncated TTN protein. This variant is located in the A band of TTN (PMID: 25589632). Truncating variants in this region are significantly overrepresented in patients affected with dilated cardiomyopathy (PMID: 25589632). Truncating variants in this region have also been reported in individuals affected with autosomal recessive centronuclear myopathy (PMID: 23975875). In summary, the currently available evidence indicates that the variant is pathogenic, but additional data are needed to prove that conclusively. Therefore, this variant has been classified as Likely Pathogenic.

Cardiogenetics and Myogenetics Molecular and Cellular Functional Unit, Aphp Sorbonne University-Hopital Pitie Salpetriere
Classification: Likely pathogenic for Dilated cardiomyopathy 1G. Last evaluated: 2024-01-06. Review status: no assertion criteria provided. Collection method: clinical testing. Allele origin: germline. Affected: yes. Not counted in ClinVar's aggregate classification.

Literature cited by the submitters: PubMed 25589632 (cited by Labcorp Genetics (formerly Invitae), Labcorp); PubMed 23975875 (cited by Labcorp Genetics (formerly Invitae), Labcorp).

NM_001267550.2(TTN):c.77263C>T (p.Gln25755Ter)

Genes: TTN (titin; minus strand), TTN-AS1 (TTN antisense RNA 1; plus strand). Cytogenetic location: 2q31.2.
Variant type: single nucleotide variant.
Coding change: c.77263C>T on transcript NM_001267550.2 (MANE Select); coding-DNA position 77263, C replaced by T.
Protein change: p.Gln25755Ter; replaces glutamine 25755 with a stop codon.
Molecular consequence: nonsense.
Genome position (GRCh38, 1-based): chr2:178,568,869, G>A on the plus strand (C>T on the coding strand, the complement: TTN is on the minus strand). VCF-style: chr2-178568869-G-A. GRCh37 (hg19) VCF-style: chr2-179433596-G-A.
Other names: c.72340C>T, p.Gln24114Ter (NM_001256850.1); c.50068C>T, p.Gln16690Ter (NM_003319.4); c.69559C>T, p.Gln23187Ter (NM_133378.4); c.50443C>T, p.Gln16815Ter (NM_133432.3); c.50644C>T, p.Gln16882Ter (NM_133437.4); short protein forms Q16690*, Q16815*, Q16882*, Q23187*, Q24114*, Q25755*.
Identifiers: ClinVar variation 1066035 (VCV001066035.10), dbSNP rs2154167332, ClinGen allele CA349611575.
Genomic context (GRCh38, chr2:178,568,869, plus strand): 5'-TTACAGCAACAACTCTAAAAAGATATTCTTCCCCTTGAGTTAGGTTGGTAATTACTGCCT[G>A]AAGAGACTTTACTCGAGCACACTCTGACCATTTCTCACTGTGTTTAGCTTGCATTTCCAC-3'